The following is an entry in ClinVar:

NM_005359.6(SMAD4):c.265G>T (p.Gly89Ter)

Gene: SMAD4 (SMAD family member 4; plus strand). Cytogenetic location: 18q21.2.
Variant type: single nucleotide variant.
Coding change: c.265G>T on transcript NM_005359.6 (MANE Select); coding-DNA position 265, G replaced by T.
Protein change: p.Gly89Ter; replaces glycine 89 with a stop codon.
Molecular consequence: nonsense. On other transcripts: non-coding transcript variant (2).
Genome position (GRCh38, 1-based): chr18:51,048,701, G>T. VCF-style: chr18-51048701-G-T. GRCh37 (hg19) VCF-style: chr18-48575071-G-T.
Other names: c.265G>T, p.Gly89Ter (NM_001407041.1, NM_001407042.1, NM_001407043.1); short protein forms G89*.
Identifiers: ClinVar variation 3658583 (VCV003658583.2).

ClinVar aggregate classification (germline): Pathogenic (1 of 4 stars; one submission).

Conditions:
Juvenile polyposis syndrome (JPS). Identifiers: Orphanet 2929, MedGen C0345893, MONDO:0017380, OMIM 174900.

Submission:

Labcorp Genetics (formerly Invitae), Labcorp
Classification: Pathogenic for Juvenile polyposis syndrome. Last evaluated: 2024-07-03. Review status: criteria provided, single submitter. Criteria: Invitae Variant Classification Sherloc (09022015). Collection method: clinical testing. Allele origin: germline.
Comment: This sequence change creates a premature translational stop signal (p.Gly89*) in the SMAD4 gene. It is expected to result in an absent or disrupted protein product. Loss-of-function variants in SMAD4 are known to be pathogenic (PMID: 16152648, 16436638, 22810475). This variant is not present in population databases (gnomAD no frequency). This variant has not been reported in the literature in individuals affected with SMAD4-related conditions. For these reasons, this variant has been classified as Pathogenic.

Literature cited by the submitters: PubMed 16152648; PubMed 16436638; PubMed 22810475.